The following is an entry in ClinVar:

NM_019066.5(MAGEL2):c.693G>T (p.Gln231His)

Gene: MAGEL2 (MAGE family member L2; minus strand). Cytogenetic location: 15q11.2.
Variant type: single nucleotide variant.
Coding change: c.693G>T on transcript NM_019066.5 (MANE Select); coding-DNA position 693, G replaced by T.
Protein change: p.Gln231His; replaces glutamine 231 with histidine.
Molecular consequence: missense variant.
Genome position (GRCh38, 1-based): chr15:23,647,050, C>A on the plus strand (G>T on the coding strand, the complement: MAGEL2 is on the minus strand). VCF-style: chr15-23647050-C-A. GRCh37 (hg19) VCF-style: chr15-23892197-C-A.
Other names: short protein forms Q231H.
Identifiers: ClinVar variation 4990894 (VCV004990894.1).

ClinVar aggregate classification (germline): Uncertain significance (1 of 4 stars; one submission).

Conditions:
MAGEL2-related disorder. Also called: MAGEL2-related condition.

Submission:

PreventionGenetics, part of Exact Sciences
Classification: Uncertain significance for MAGEL2-related condition. Last evaluated: 2026-07-17. Review status: criteria provided, single submitter. Criteria: ACMG Guidelines, 2015. Collection method: clinical testing. Allele origin: germline.
Comment: The MAGEL2 c.693G>T variant is predicted to result in the amino acid substitution p.Gln231His. To our knowledge, this variant has not been reported in the literature or in a large population database (gnomAD), indicating this variant is rare. At this time, the clinical significance of this variant is uncertain due to the absence of conclusive functional and genetic evidence.